The following is an entry in ClinVar:

ClinVar aggregate classification (germline): Benign. Review status: criteria provided, multiple submitters, no conflicts (2 of 4 stars). 3 submissions from 3 submitters: Benign (2). 1 of the submissions does not count toward it. Last evaluated 2021-05-05.

Conditions:
SS18L1-related disorder. Also called: SS18L1-related condition.

Allele frequency attached by ClinVar (database versions not stated): 1000 Genomes Project 0.07468; 1000 Genomes Project 30x 0.07605; TOPMed 0.08402; ESP Exome Variant Server 0.08811.
gnomAD v4.1: 87,192 of 1,612,798 alleles (5.4%); highest among the groups gnomAD compares: African/African-American, 16%; 3,050 homozygotes.

Submissions (3):

GeneDx
Classification: Benign. Last evaluated: 2021-05-05. Review status: criteria provided, single submitter. Criteria: GeneDx Variant Classification Process June 2021. Collection method: clinical testing. Allele origin: germline. Affected: yes.

Breakthrough Genomics
Classification: Benign. Review status: criteria provided, single submitter. Criteria: ACMG Guidelines, 2015. Collection method: not provided. Allele origin: germline. Inheritance: Unknown mechanism. Affected: yes.

PreventionGenetics, part of Exact Sciences
Classification: Benign for SS18L1-related condition. Last evaluated: 2019-11-25. Review status: no assertion criteria provided. Collection method: clinical testing. Allele origin: germline. Not counted in ClinVar's aggregate classification.
Comment: This variant is classified as benign based on ACMG/AMP sequence variant interpretation guidelines (Richards et al. 2015 PMID: 25741868, with internal and published modifications).

NM_198935.3(SS18L1):c.477G>A (p.Ser159=)

Gene: SS18L1 (SS18L1 subunit of BAF chromatin remodeling complex; plus strand). Cytogenetic location: 20q13.33.
Variant type: single nucleotide variant.
Coding change: c.477G>A on transcript NM_198935.3 (MANE Select); coding-DNA position 477, G replaced by A.
Protein change: p.Ser159=; no amino-acid change (serine 159 retained).
Molecular consequence: synonymous variant. On other transcripts: non-coding transcript variant (2).
Genome position (GRCh38, 1-based): chr20:62,162,852, G>A. VCF-style: chr20-62162852-G-A. GRCh37 (hg19) VCF-style: chr20-60737908-G-A.
Other names: c.84G>A, p.Ser28= (NM_001301778.2).
Identifiers: ClinVar variation 1246405 (VCV001246405.5), dbSNP rs61744430, ClinGen allele CA9937110.